The following is an entry in ClinVar:

ClinVar aggregate classification (germline): Benign. Review status: criteria provided, single submitter (1 of 4 stars). 2 submissions from 1 submitter: Benign (2). Last evaluated 2018-01-13.

Conditions:
Severe combined immunodeficiency due to DCLRE1C deficiency (RS-SCID). Also called: SCID, AUTOSOMAL RECESSIVE, T CELL-NEGATIVE, B CELL-NEGATIVE, NK CELL-POSITIVE, WITH SENSITIVITY TO IONIZING RADIATION. Identifiers: Orphanet 275, MedGen C1865371, MONDO:0011225, OMIM 602450.
DNA ligase IV deficiency. Identifiers: Orphanet 99812, MedGen C1847827, MONDO:0011686, OMIM 606593.

Allele frequency attached by ClinVar (database versions not stated): 1000 Genomes Project 30x 0.00500; 1000 Genomes Project 0.00479; gnomAD 0.00487 and 0.00533; TOPMed 0.00558.

Submissions (2):

Illumina Laboratory Services, Illumina
Classification: Benign for Severe combined immunodeficiency due to DCLRE1C deficiency. Last evaluated: 2018-01-13. Review status: criteria provided, single submitter. Criteria: ICSL Variant Classification Criteria 13 December 2019. Collection method: clinical testing. Allele origin: germline.
Comment: This variant was observed in the ICSL laboratory as part of a predisposition screen in an ostensibly healthy population. It had not been previously curated by ICSL or reported in the Human Gene Mutation Database (HGMD: prior to June 1st, 2018), and was therefore a candidate for classification through an automated scoring system. Utilizing variant allele frequency, disease prevalence and penetrance estimates, and inheritance mode, an automated score was calculated to assess if this variant is too frequent to cause the disease. Based on the score and internal cut-off values, a variant classified as benign is not then subjected to further curation. The score for this variant resulted in a classification of benign for this disease.

Illumina Laboratory Services, Illumina
Classification: Benign for DNA ligase IV deficiency. Last evaluated: 2018-01-13. Review status: criteria provided, single submitter. Criteria: ICSL Variant Classification Criteria 13 December 2019. Collection method: clinical testing. Allele origin: germline.
Comment: the same text as in the submission from Illumina Laboratory Services, Illumina above.

NM_206937.2(LIG4):c.-101-95G>A

Gene: LIG4 (DNA ligase 4; minus strand). Cytogenetic location: 13q33.3.
Variant type: single nucleotide variant.
Coding change: c.-101-95G>A on transcript NM_206937.2 (MANE Select); 95 bases into the intron before 101 bases upstream of the start codon, G replaced by A.
Molecular consequence: intron variant. On other transcripts: 5 prime UTR variant (6).
Genome position (GRCh38, 1-based): chr13:108,214,705, C>T on the plus strand (G>A on the coding strand, the complement: LIG4 is on the minus strand). VCF-style: chr13-108214705-C-T. GRCh37 (hg19) VCF-style: chr13-108867053-C-T.
Other names: c.-172G>A (NM_001352598.2); c.-196G>A (NM_001352599.2, NM_001352601.2, NM_001379095.1 and 1 more transcripts); c.-80G>A (NM_001352604.2); c.-28-3409G>A (NM_001098268.2); c.-101-95G>A (NM_001352600.2, NM_001352602.2, NM_001352603.1); c.-222-95G>A (NM_001330595.2).
Identifiers: ClinVar variation 311000 (VCV000311000.5), dbSNP rs1805385, ClinGen allele CA10642755.